The following is an entry in ClinVar:

NM_004370.6(COL12A1):c.1493C>T (p.Thr498Ile)

Gene: COL12A1 (collagen type XII alpha 1 chain; minus strand). Cytogenetic location: 6q13.
Variant type: single nucleotide variant.
Coding change: c.1493C>T on transcript NM_004370.6 (MANE Select); coding-DNA position 1493, C replaced by T.
Protein change: p.Thr498Ile; replaces threonine 498 with isoleucine.
Molecular consequence: missense variant. On other transcripts: intron variant (2).
Genome position (GRCh38, 1-based): chr6:75,183,448, G>A on the plus strand (C>T on the coding strand, the complement: COL12A1 is on the minus strand). VCF-style: chr6-75183448-G-A. GRCh37 (hg19) VCF-style: chr6-75893164-G-A.
Other names: c.1493C>T, p.Thr498Ile (NM_001424113.1, NM_001424114.1, NM_001424115.1); c.73+19272C>T (NM_001424116.1, NM_080645.3); short protein forms T498I.
Identifiers: ClinVar variation 4792752 (VCV004792752.1).

ClinVar aggregate classification (germline): Uncertain significance (1 of 4 stars; one submission).

Conditions:
Ullrich congenital muscular dystrophy 2 (UCMD2). Identifiers: Orphanet 75840, MedGen C4225314, MONDO:0014654, OMIM 616470.
Bethlem myopathy 2 (BTHLM2). Identifiers: Orphanet 536516, Orphanet 610, MedGen C4225313, MONDO:0034022, OMIM 616471.

gnomAD v4.1: 1 of 1,614,142 alleles (0.000062%); highest among the groups gnomAD compares: Non-Finnish European, 0.000085%; no homozygotes.

Submission:

Labcorp Genetics (formerly Invitae), Labcorp
Classification: Uncertain significance for Bethlem myopathy 2; Ullrich congenital muscular dystrophy 2. Last evaluated: 2025-06-08. Review status: criteria provided, single submitter. Criteria: Invitae Variant Classification Sherloc (09022015). Collection method: clinical testing. Allele origin: germline.
Comment: This sequence change replaces threonine, which is neutral and polar, with isoleucine, which is neutral and non-polar, at codon 498 of the COL12A1 protein (p.Thr498Ile). This variant is not present in population databases (gnomAD no frequency). This variant has not been reported in the literature in individuals affected with COL12A1-related conditions. Invitae Evidence Modeling of protein sequence and biophysical properties (such as structural, functional, and spatial information, amino acid conservation, physicochemical variation, residue mobility, and thermodynamic stability) indicates that this missense variant is not expected to disrupt COL12A1 protein function with a negative predictive value of 80%. In summary, the available evidence is currently insufficient to determine the role of this variant in disease. Therefore, it has been classified as a Variant of Uncertain Significance.